The following is an entry in ClinVar:

NM_000264.5(PTCH1):c.2530T>G (p.Trp844Gly)

Genes: PTCH1 (patched 1; minus strand), LOC100507346 (uncharacterized LOC100507346; plus strand). Cytogenetic location: 9q22.32.
Variant type: single nucleotide variant.
Coding change: c.2530T>G on transcript NM_000264.5 (MANE Select); coding-DNA position 2530, T replaced by G.
Protein change: p.Trp844Gly; replaces tryptophan 844 with glycine.
Molecular consequence: missense variant. On other transcripts: non-coding transcript variant (2).
Genome position (GRCh38, 1-based): chr9:95,467,146, A>C on the plus strand (T>G on the coding strand, the complement: PTCH1 is on the minus strand). VCF-style: chr9-95467146-A-C. GRCh37 (hg19) VCF-style: chr9-98229428-A-C.
Other names: c.2332T>G, p.Trp778Gly (NM_001083602.3); c.2527T>G, p.Trp843Gly (NM_001083603.3); c.2077T>G, p.Trp693Gly (NM_001083604.3, NM_001083605.3, NM_001083606.3 and 1 more transcripts); c.2374T>G, p.Trp792Gly (NM_001354918.2); short protein forms W693G, W778G, W792G, W843G, W844G.
Identifiers: ClinVar variation 4532900 (VCV004532900.2).
Genomic context (GRCh38, chr9:95,467,146, plus strand): 5'-AAAGGACGAGAGCCTCCCACGCCGTCTTACCCTGAAGCCAGTCTCTGAAGTAGTGCAGCC[A>C]CATTTTGGGAAGCTGTTTGTTTTCTTCCAACATGACATACTTCACGTTACTGAAACTCCT-3'
Protein context (NP_000255.2, residues 834-854): LEENKQLPKM[Trp844Gly]LHYFRDWLQG

ClinVar aggregate classification (germline): Likely pathogenic. Review status: criteria provided, multiple submitters, no conflicts (2 of 4 stars). 2 submissions from 2 submitters: Likely pathogenic (2). Last evaluated 2026-05-22.

Conditions:
Hereditary cancer-predisposing syndrome. Also called: Neoplastic Syndromes, Hereditary; Tumor predisposition; Hereditary Cancer Syndrome; Hereditary neoplastic syndrome. Identifiers: Orphanet 140162, MedGen C0027672, MeSH D009386, MONDO:0015356.

Submissions (2):

Ambry Genetics
Classification: Likely pathogenic for Hereditary cancer-predisposing syndrome. Last evaluated: 2026-05-22. Review status: criteria provided, single submitter. Criteria: Ambry Variant Classification Scheme 2023. Collection method: clinical testing. Allele origin: germline.
Comment: The p.W844G variant (also known as c.2530T>G), located in coding exon 15 of the PTCH1 gene, results from a T to G substitution at nucleotide position 2530. The tryptophan at codon 844 is replaced by glycine, an amino acid with highly dissimilar properties. This variant was reported in individuals with features consistent with PTCH1-related nevoid basal cell carcinoma syndrome (Phatak A et al. Oncotarget, 2019 Feb;10:1360-1387; Ambry internal data). Other variants at the same codon, p W844C (c.2532G>T and c.2532G>C), have been identified in individuals with features consistent with PTCH1-related nevoid basal cell carcinoma syndrome (Ponti G et al. Anticancer Res. 2018 Jan;38(1):471-476; external data). Based on internal structural analysis, this variant is anticipated to result in a significant decrease in structural stability (Ambry internal data). This amino acid position is highly conserved in available vertebrate species. In addition, this alteration is predicted to be deleterious by in silico analysis. This variant is considered to be rare based on population cohorts in the Genome Aggregation Database (gnomAD). Based on the majority of available evidence to date, this variant is likely to be pathogenic.

Quest Diagnostics Nichols Institute San Juan Capistrano
Classification: Likely pathogenic. Last evaluated: 2025-06-04. Review status: criteria provided, single submitter. Criteria: Quest Diagnostics criteria. Collection method: clinical testing. Allele origin: unknown.
Comment: The PTCH1 c.2530T>G (p.Trp844Gly) variant has been reported in the published literature in an individual with clinical characteristics of Gorlin Syndrome (PMID: 30858923 (2019)). Other variants at the same amino acid residue (p.Trp844) have been also observed in multiple individuals with clinical features of basal cell nevus syndrome or Gorlin syndrome (PMID: 29277811; personal communication with Invitae related to ClinVar IDs: 1505183, 1442764, and 1037360). This variant has not been reported in large, multi-ethnic general populations (Genome Aggregation Database). Analysis of this variant using bioinformatics tools for the prediction of the effect of amino acid changes on protein structure and function yielded predictions that this variant is damaging. Based on the available information, this variant is classified as likely pathogenic.

Literature cited by the submitters: PubMed 29277811 (cited by Ambry Genetics); PubMed 30858923 (cited by Ambry Genetics and Quest Diagnostics Nichols Institute San Juan Capistrano).